The following is an entry in ClinVar:

NM_015072.5(TTLL5):c.1520A>G (p.Tyr507Cys)

Gene: TTLL5 (tubulin tyrosine ligase like 5; plus strand). Cytogenetic location: 14q24.3.
Variant type: single nucleotide variant.
Coding change: c.1520A>G on transcript NM_015072.5 (MANE Select); coding-DNA position 1520, A replaced by G.
Protein change: p.Tyr507Cys; replaces tyrosine 507 with cysteine.
Molecular consequence: missense variant.
Genome position (GRCh38, 1-based): chr14:75,752,925, A>G. VCF-style: chr14-75752925-A-G. GRCh37 (hg19) VCF-style: chr14-76219268-A-G.
Other names: c.1520A>G (NM_015072.4); short protein forms Y507C.
Identifiers: ClinVar variation 1057156 (VCV001057156.7), dbSNP rs201413053, ClinGen allele CA7279414.
Genomic context (GRCh38, chr14:75,752,925, plus strand): 5'-ATAACCAGTTTCTTTCTTTGCTTTTCAGGTCCTACCTCGAGCATAAGACCTCAATGAACT[A>G]TATGCTGGCAACACGCCTCTTCCAGGACAGGTAGAGATTTGCTAAACTTTAAATTTAGGA-3'
Protein context (NP_055887.3, residues 497-517): SYLEHKTSMN[Tyr507Cys]MLATRLFQDR

ClinVar aggregate classification (germline): Uncertain significance. Review status: criteria provided, multiple submitters, no conflicts (2 of 4 stars). 3 submissions from 3 submitters: Uncertain significance (3). Last evaluated 2025-09-01.

Conditions:
Inborn genetic diseases. Identifiers: MedGen C0950123, MeSH D030342.

Allele frequency attached by ClinVar (database versions not stated): 1000 Genomes Project 30x 0.00016; 1000 Genomes Project 0.00020.
gnomAD v4.1: 54 of 1,613,640 alleles (0.0033%); highest among the groups gnomAD compares: East Asian, 0.018%; no homozygotes.

Submissions (3):

Ambry Genetics
Classification: Uncertain significance for Inborn genetic diseases. Last evaluated: 2025-09-01. Review status: criteria provided, single submitter. Criteria: Ambry Variant Classification Scheme 2023. Collection method: clinical testing. Allele origin: germline.

Labcorp Genetics (formerly Invitae), Labcorp
Classification: Uncertain significance. Last evaluated: 2022-02-08. Review status: criteria provided, single submitter. Criteria: Invitae Variant Classification Sherloc (09022015). Collection method: clinical testing. Allele origin: germline.
Comment: This sequence change replaces tyrosine, which is neutral and polar, with cysteine, which is neutral and slightly polar, at codon 507 of the TTLL5 protein (p.Tyr507Cys). This variant is present in population databases (rs201413053, gnomAD 0.02%). This variant has not been reported in the literature in individuals affected with TTLL5-related conditions. ClinVar contains an entry for this variant (Variation ID: 1057156). Algorithms developed to predict the effect of missense changes on protein structure and function (SIFT, PolyPhen-2, Align-GVGD) all suggest that this variant is likely to be disruptive. Algorithms developed to predict the effect of sequence changes on RNA splicing suggest that this variant may create or strengthen a splice site. In summary, the available evidence is currently insufficient to determine the role of this variant in disease. Therefore, it has been classified as a Variant of Uncertain Significance.

Blueprint Genetics
Classification: Uncertain significance. Last evaluated: 2021-12-26. Review status: criteria provided, single submitter. Criteria: ACMG Guidelines, 2015. Collection method: clinical testing. Allele origin: germline.